The following is an entry in ClinVar:

NM_002317.7(LOX):c.1139dup (p.Asn381fs)

Genes: LOX (lysyl oxidase; minus strand), SRFBP1 (serum response factor binding protein 1; plus strand). Cytogenetic location: 5q23.1.
Variant type: Duplication.
Coding change: c.1139dup on transcript NM_002317.7 (MANE Select); coding-DNA position 1139, one base duplicated (T; older notation c.1139dupT).
Protein change: p.Asn381fs; shifts the reading frame from asparagine 381.
Molecular consequence: frameshift variant.
Genome position (GRCh38, 1-based): chr5:122,070,161, A duplicated on the plus strand (T on the coding strand, the reverse complement: LOX is on the minus strand). VCF-style (leftmost placement, unchanged base first): chr5-122070160-T-TA. GRCh37 (hg19) VCF-style: chr5-121405855-T-TA.
Other names: c.449dup, p.Asn151fs (NM_001178102.2); c.248dup, p.Asn84fs (NM_001317073.1); short protein forms N151fs, N381fs, N84fs.
Identifiers: ClinVar variation 4879726 (VCV004879726.1).
Genomic context (GRCh38, chr5:122,070,160, plus strand): 5'-AATGTCACAGCGCACAACATTGTTGGTATAGTCAGATTCAGGAACCAGGTAGCTGGGGTT[T>TA]ACACTGACCTGGGCAACACAAAGAGTTCCTCAGTATTTCTTTTTCCATAGGGCTACAATA-3'

ClinVar aggregate classification (germline): Pathogenic (1 of 4 stars; one submission).

Conditions:
Aortic aneurysm, familial thoracic 10 (AAT10). Identifiers: MedGen C4284414, MONDO:0014950, OMIM 617168.

Submission:

Victorian Clinical Genetics Services, Murdoch Childrens Research Institute
Classification: Pathogenic for Aortic aneurysm, familial thoracic 10. Last evaluated: 2026-02-19. Review status: criteria provided, single submitter. Criteria: ACMG Guidelines, 2015. Collection method: clinical testing. Allele origin: germline. Affected: yes.
Comment: This variant is classified as Pathogenic. Evidence in support of pathogenic classification: Variant is predicted to cause nonsense-mediated decay (NMD) and loss of protein (premature termination codon is located at least 54 nucleotides upstream of the final exon-exon junction); Variant is present in gnomAD <0.001 for a dominant condition (v4: 2 heterozygote(s), 0 homozygote(s)). Data provided in gnomAD for one heterozygote indicates it may be an artefact; Other variants comparable to the one identified in this case have very strong previous evidence for pathogenicity. At least ten NMD-predicted variants have been reported as likely pathogenic or pathogenic (ClinVar). Additional information: This variant is heterozygous; This gene is associated with autosomal dominant disease; This variant has no previous evidence of pathogenicity; No published evidence of segregation with disease has been identified for this variant; No published functional evidence has been identified for this variant; Loss of function is a known mechanism of disease in this gene and is associated with familial thoracic aortic aneurysm 10 (MIM#617168); Variants in this gene are known to have variable expressivity (PMIDs: 26838787, 34281165); Inheritance information for this variant is not currently available in this individual.

Literature cited by the submitters: PubMed 34281165; PubMed 26838787.